The following is an entry in ClinVar:

ClinVar aggregate classification (germline): Pathogenic/Likely pathogenic. Review status: criteria provided, multiple submitters, no conflicts (2 of 4 stars). 2 submissions from 2 submitters: Pathogenic (1); Likely pathogenic (1). Last evaluated 2022-06-27.

Conditions:
Alstrom syndrome (ALMS). Identifiers: Orphanet 64, MedGen C0268425, MONDO:0008763, OMIM 203800.

Submissions (2):

Labcorp Genetics (formerly Invitae), Labcorp
Classification: Likely pathogenic for Alstrom syndrome. Last evaluated: 2022-06-27. Review status: criteria provided, single submitter. Criteria: Invitae Variant Classification Sherloc (09022015). Collection method: clinical testing. Allele origin: germline.
Comment: This sequence change affects a donor splice site in intron 17 of the ALMS1 gene. It is expected to disrupt RNA splicing. Variants that disrupt the donor or acceptor splice site typically lead to a loss of protein function (PMID: 16199547), and loss-of-function variants in ALMS1 are known to be pathogenic (PMID: 17594715). This variant is not present in population databases (gnomAD no frequency). This variant has not been reported in the literature in individuals affected with ALMS1-related conditions. Algorithms developed to predict the effect of sequence changes on RNA splicing suggest that this variant may disrupt the consensus splice site. In summary, the currently available evidence indicates that the variant is pathogenic, but additional data are needed to prove that conclusively. Therefore, this variant has been classified as Likely Pathogenic.

Mendelics
Classification: Pathogenic for Alstrom syndrome. Last evaluated: 2022-05-04. Review status: criteria provided, single submitter. Criteria: Mendelics Assertion Criteria 2019. Collection method: clinical testing. Allele origin: germline.

Literature cited by the submitters: PubMed 16199547 (cited by Labcorp Genetics (formerly Invitae), Labcorp); PubMed 17594715 (cited by Labcorp Genetics (formerly Invitae), Labcorp).

NM_001378454.1(ALMS1):c.11668+1G>T

Gene: ALMS1 (ALMS1 centrosome and basal body associated protein; plus strand). Cytogenetic location: 2p13.1.
Variant type: single nucleotide variant.
Coding change: c.11668+1G>T on transcript NM_001378454.1 (MANE Select); the canonical splice donor site of the intron after coding-DNA position 11668, G replaced by T.
Molecular consequence: splice donor variant.
Genome position (GRCh38, 1-based): chr2:73,599,522, G>T. VCF-style: chr2-73599522-G-T. GRCh37 (hg19) VCF-style: chr2-73826649-G-T.
Other names: c.11668+1G>T (NM_015120.4).
Identifiers: ClinVar variation 1522091 (VCV001522091.7), dbSNP rs1181992959, ClinGen allele CA347263224.